The following is an entry in ClinVar:

ClinVar aggregate classification (germline): Uncertain significance. Review status: criteria provided, multiple submitters, no conflicts (2 of 4 stars). 2 submissions from 2 submitters: Uncertain significance (2). Last evaluated 2024-08-29.

Submissions (2):

Ambry Genetics
Classification: Uncertain significance. Last evaluated: 2024-08-29. Review status: criteria provided, single submitter. Criteria: Ambry Variant Classification Scheme 2023. Collection method: clinical testing. Allele origin: germline.

Labcorp Genetics (formerly Invitae), Labcorp
Classification: Uncertain significance. Last evaluated: 2022-08-22. Review status: criteria provided, single submitter. Criteria: Invitae Variant Classification Sherloc (09022015). Collection method: clinical testing. Allele origin: germline.
Comment: In summary, the available evidence is currently insufficient to determine the role of this variant in disease. Therefore, it has been classified as a Variant of Uncertain Significance. Algorithms developed to predict the effect of missense changes on protein structure and function are either unavailable or do not agree on the potential impact of this missense change (SIFT: "Deleterious"; PolyPhen-2: "Probably Damaging"; Align-GVGD: "Class C15"). This variant has not been reported in the literature in individuals affected with ROM1-related conditions. This variant is present in population databases (no rsID available, gnomAD 0.006%). This sequence change replaces glycine, which is neutral and non-polar, with arginine, which is basic and polar, at codon 111 of the ROM1 protein (p.Gly111Arg).

NM_000327.4(ROM1):c.331G>C (p.Gly111Arg)

Gene: ROM1 (retinal outer segment membrane protein 1; plus strand). Cytogenetic location: 11q12.3.
Variant type: single nucleotide variant.
Coding change: c.331G>C on transcript NM_000327.4 (MANE Select); coding-DNA position 331, G replaced by C.
Protein change: p.Gly111Arg; replaces glycine 111 with arginine.
Molecular consequence: missense variant.
Genome position (GRCh38, 1-based): chr11:62,613,612, G>C. VCF-style: chr11-62613612-G-C. GRCh37 (hg19) VCF-style: chr11-62381084-G-C.
Other names: c.331G>C (NM_000327.3); short protein forms G111R.
Identifiers: ClinVar variation 1926355 (VCV001926355.6), dbSNP rs753452550, ClinGen allele CA380969375.